The following is an entry in ClinVar:

ClinVar aggregate classification (germline): Uncertain significance (1 of 4 stars; one submission).

Conditions:
Pheochromocytoma. Also called: MAX-Related Hereditary Paraganglioma-Pheochromocytoma Syndrome. Identifiers: Orphanet 29072, MedGen C0031511, MONDO:0008233, OMIM 171300, HP:0002666.
Pheochromocytoma/paraganglioma syndrome 4. Also called: PARAGANGLIOMA, FAMILIAL MALIGNANT; PARAGANGLIOMAS, HEREDITARY EXTRAADRENAL; PHEOCHROMOCYTOMA, FAMILIAL EXTRAADRENAL; SDHB-Related Hereditary Paraganglioma-Pheochromocytoma Syndrome (Paragangliomas 4); CAROTID BODY TUMORS AND MULTIPLE EXTRAADRENAL PHEOCHROMOCYTOMAS; SDHB-Related Hereditary Paraganglioma-Pheochromocytoma Syndrome. Identifiers: Orphanet 29072, MedGen C1861848, MONDO:0007273, OMIM 115310.
Gastrointestinal stromal tumor. Also called: Gastrointestinal stromal tumor, somatic; Gastrointestinal stroma tumor. Identifiers: Orphanet 44890, MedGen C0238198, MeSH D046152, MONDO:0011719, OMIM 606764, HP:0100723.

Submission:

Labcorp Genetics (formerly Invitae), Labcorp
Classification: Uncertain significance for Gastrointestinal stromal tumor; Pheochromocytoma/paraganglioma syndrome 4; Pheochromocytoma. Last evaluated: 2018-12-06. Review status: criteria provided, single submitter. Criteria: Invitae Variant Classification Sherloc (09022015). Collection method: clinical testing. Allele origin: germline.
Comment: This variant is not present in population databases (ExAC no frequency). This sequence change replaces aspartic acid with glutamic acid at codon 64 of the SDHB protein (p.Asp64Glu). The aspartic acid residue is highly conserved and there is a small physicochemical difference between aspartic acid and glutamic acid. This variant has not been reported in the literature in individuals with SDHB-related conditions. In summary, the available evidence is currently insufficient to determine the role of this variant in disease. Therefore, it has been classified as a Variant of Uncertain Significance. Algorithms developed to predict the effect of missense changes on protein structure and function (SIFT, PolyPhen-2, Align-GVGD) all suggest that this variant is likely to be disruptive, but these predictions have not been confirmed by published functional studies and their clinical significance is uncertain.

NM_003000.3(SDHB):c.192C>A (p.Asp64Glu)

Gene: SDHB (succinate dehydrogenase complex iron sulfur subunit B; minus strand). Cytogenetic location: 1p36.13.
Variant type: single nucleotide variant.
Coding change: c.192C>A on transcript NM_003000.3 (MANE Select); coding-DNA position 192, C replaced by A.
Protein change: p.Asp64Glu; replaces aspartic acid 64 with glutamic acid.
Molecular consequence: missense variant.
Genome position (GRCh38, 1-based): chr1:17,044,769, G>T on the plus strand (C>A on the coding strand, the complement: SDHB is on the minus strand). VCF-style: chr1-17044769-G-T. GRCh37 (hg19) VCF-style: chr1-17371264-G-T.
Other names: short protein forms D64E.
Identifiers: ClinVar variation 644858 (VCV000644858.6), dbSNP rs1570957920, ClinGen allele CA338227712.